The following is an entry in ClinVar:

ClinVar aggregate classification (germline): Uncertain significance (1 of 4 stars; one submission).

Allele frequency attached by ClinVar (database versions not stated): gnomAD exomes below 0.00001.
gnomAD v4.1: 1 of 1,610,838 alleles (0.000062%); highest among the groups gnomAD compares: Non-Finnish European, 0.000085%; no homozygotes.

Submission:

Labcorp Genetics (formerly Invitae), Labcorp
Classification: Uncertain significance. Last evaluated: 2024-01-05. Review status: criteria provided, single submitter. Criteria: Invitae Variant Classification Sherloc (09022015). Collection method: clinical testing. Allele origin: germline.
Comment: This sequence change replaces arginine, which is basic and polar, with glutamine, which is neutral and polar, at codon 383 of the RELB protein (p.Arg383Gln). This variant is not present in population databases (gnomAD no frequency). This variant has not been reported in the literature in individuals affected with RELB-related conditions. An algorithm developed to predict the effect of missense changes on protein structure and function (PolyPhen-2) suggests that this variant is likely to be disruptive. In summary, the available evidence is currently insufficient to determine the role of this variant in disease. Therefore, it has been classified as a Variant of Uncertain Significance.

NM_006509.4(RELB):c.1148G>A (p.Arg383Gln)

Gene: RELB (RELB proto-oncogene, NF-kB subunit; plus strand). Cytogenetic location: 19q13.32.
Variant type: single nucleotide variant.
Coding change: c.1148G>A on transcript NM_006509.4 (MANE Select); coding-DNA position 1148, G replaced by A.
Protein change: p.Arg383Gln; replaces arginine 383 with glutamine.
Molecular consequence: missense variant.
Genome position (GRCh38, 1-based): chr19:45,032,690, G>A. VCF-style: chr19-45032690-G-A. GRCh37 (hg19) VCF-style: chr19-45535948-G-A.
Other names: c.1139G>A, p.Arg380Gln (NM_001411087.1); short protein forms R380Q, R383Q.
Identifiers: ClinVar variation 2987547 (VCV002987547.3), dbSNP rs2513657557, ClinGen allele CA406305579.